The following is an entry in ClinVar:

ClinVar aggregate classification (germline): Uncertain significance (1 of 4 stars; one submission).

Conditions:
Intellectual developmental disorder, X-linked, syndromic, Shashi type. Also called: SHASHI X-LINKED MENTAL RETARDATION SYNDROME; Syndromic X-linked intellectual disability Shashi type; INTELLECTUAL DEVELOPMENTAL DISORDER, X-LINKED, SYNDROMIC 11. Identifiers: Orphanet 85286, MedGen C1846145, MONDO:0010277, OMIM 300238.

gnomAD v4.1: 4 of 1,210,295 alleles (0.00033%); highest among the groups gnomAD compares: East Asian, 0.003%; no homozygotes.

Submission:

Laboratorio de Genetica e Diagnostico Molecular, Hospital Israelita Albert Einstein
Classification: Uncertain significance for Intellectual developmental disorder, X-linked, syndromic, Shashi type. Last evaluated: 2024-01-21. Review status: criteria provided, single submitter. Criteria: ACMG Guidelines, 2015. Collection method: clinical testing. Allele origin: germline. Affected: yes.
Comment: ACMG classification criteria: PM2 supporting, BP4 supporting

NM_002139.4(RBMX):c.764A>G (p.Tyr255Cys)

Gene: RBMX (RNA binding motif protein X-linked; minus strand). Cytogenetic location: Xq26.3.
Variant type: single nucleotide variant.
Coding change: c.764A>G on transcript NM_002139.4 (MANE Select); coding-DNA position 764, A replaced by G.
Protein change: p.Tyr255Cys; replaces tyrosine 255 with cysteine.
Molecular consequence: missense variant. On other transcripts: non-coding transcript variant (2).
Genome position (GRCh38, 1-based): chrX:136,875,276, T>C on the plus strand (A>G on the coding strand, the complement: RBMX is on the minus strand). VCF-style: chrX-136875276-T-C. GRCh37 (hg19) VCF-style: chrX-135957435-T-C.
Other names: c.439A>G, p.Ile147Val (NM_001164803.2); short protein forms I147V, Y255C.
Identifiers: ClinVar variation 4076368 (VCV004076368.1).